The following is an entry in ClinVar:

NM_001567.4(INPPL1):c.2957A>G (p.Tyr986Cys)

Gene: INPPL1 (inositol polyphosphate phosphatase like 1; plus strand). Cytogenetic location: 11q13.4.
Variant type: single nucleotide variant.
Coding change: c.2957A>G on transcript NM_001567.4 (MANE Select); coding-DNA position 2957, A replaced by G.
Protein change: p.Tyr986Cys; replaces tyrosine 986 with cysteine.
Molecular consequence: missense variant.
Genome position (GRCh38, 1-based): chr11:72,237,201, A>G. VCF-style: chr11-72237201-A-G. GRCh37 (hg19) VCF-style: chr11-71948245-A-G.
Other names: short protein forms Y986C.
Identifiers: ClinVar variation 2061450 (VCV002061450.4), dbSNP rs773540241, ClinGen allele CA6170530.

ClinVar aggregate classification (germline): Uncertain significance (1 of 4 stars; one submission).

Allele frequency attached by ClinVar (database versions not stated): ExAC 0.00001; gnomAD exomes 0.00001.
gnomAD v4.1: 7 of 1,613,840 alleles (0.00043%); highest among the groups gnomAD compares: Non-Finnish European, 0.00059%; no homozygotes.

Submission:

Labcorp Genetics (formerly Invitae), Labcorp
Classification: Uncertain significance. Last evaluated: 2022-07-19. Review status: criteria provided, single submitter. Criteria: Invitae Variant Classification Sherloc (09022015). Collection method: clinical testing. Allele origin: germline.
Comment: In summary, the available evidence is currently insufficient to determine the role of this variant in disease. Therefore, it has been classified as a Variant of Uncertain Significance. Algorithms developed to predict the effect of missense changes on protein structure and function are either unavailable or do not agree on the potential impact of this missense change (SIFT: "Deleterious"; PolyPhen-2: "Probably Damaging"; Align-GVGD: "Class C0"). This variant has not been reported in the literature in individuals affected with INPPL1-related conditions. This variant is present in population databases (rs773540241, gnomAD 0.0009%). This sequence change replaces tyrosine, which is neutral and polar, with cysteine, which is neutral and slightly polar, at codon 986 of the INPPL1 protein (p.Tyr986Cys).